The following is an entry in ClinVar:

ClinVar aggregate classification (germline): Uncertain significance. Review status: criteria provided, single submitter (1 of 4 stars). 2 submissions from 2 submitters: Uncertain significance (1). 1 of the submissions does not count toward it. Last evaluated 2021-06-11.

Conditions:
MAP3K6-related disorder. Also called: MAP3K6-related condition.

Allele frequency attached by ClinVar (database versions not stated): gnomAD 0.00003; ExAC 0.00008; TOPMed 0.00008; ESP Exome Variant Server 0.00015.
gnomAD v4.1: 100 of 1,613,864 alleles (0.0062%); highest among the groups gnomAD compares: Non-Finnish European, 0.00051%; no homozygotes.

Submissions (2):

Ambry Genetics
Classification: Uncertain significance. Last evaluated: 2021-06-11. Review status: criteria provided, single submitter. Criteria: Ambry Variant Classification Scheme 2023. Collection method: clinical testing. Allele origin: germline.

PreventionGenetics, part of Exact Sciences
Classification: Likely benign for MAP3K6-related condition. Last evaluated: 2022-03-09. Review status: no assertion criteria provided. Collection method: clinical testing. Allele origin: germline. Not counted in ClinVar's aggregate classification.
Comment: This variant is classified as likely benign based on ACMG/AMP sequence variant interpretation guidelines (Richards et al. 2015 PMID: 25741868, with internal and published modifications).

NM_004672.5(MAP3K6):c.607G>A (p.Val203Ile)

Gene: MAP3K6 (mitogen-activated protein kinase kinase kinase 6; minus strand). Cytogenetic location: 1p36.11.
Variant type: single nucleotide variant.
Coding change: c.607G>A on transcript NM_004672.5 (MANE Select); coding-DNA position 607, G replaced by A.
Protein change: p.Val203Ile; replaces valine 203 with isoleucine.
Molecular consequence: missense variant.
Genome position (GRCh38, 1-based): chr1:27,364,292, C>T on the plus strand (G>A on the coding strand, the complement: MAP3K6 is on the minus strand). VCF-style: chr1-27364292-C-T. GRCh37 (hg19) VCF-style: chr1-27690783-C-T.
Other names: c.583G>A, p.Val195Ile (NM_001297609.2); c.607G>A (NM_004672.3); short protein forms V195I, V203I.
Identifiers: ClinVar variation 3055009 (VCV003055009.3), dbSNP rs202156425, ClinGen allele CA714069.